The following is an entry in ClinVar:

ClinVar aggregate classification (germline): Likely benign (0 of 4 stars; one submission).

Conditions:
DNAJC13-related disorder. Also called: DNAJC13-related condition.

Allele frequency attached by ClinVar (database versions not stated): gnomAD 0.00005; TOPMed 0.00005; ESP Exome Variant Server 0.00008; ExAC 0.00010.
gnomAD v4.1: 77 of 1,613,934 alleles (0.0048%); highest among the groups gnomAD compares: Middle Eastern, 0.12%; no homozygotes.

Submission:

PreventionGenetics, part of Exact Sciences
Classification: Likely benign for DNAJC13-related condition. Last evaluated: 2024-02-19. Review status: no assertion criteria provided. Collection method: clinical testing. Allele origin: germline.
Comment: This variant is classified as likely benign based on ACMG/AMP sequence variant interpretation guidelines (Richards et al. 2015 PMID: 25741868, with internal and published modifications).

NM_015268.4(DNAJC13):c.1173A>T (p.Thr391=)

Gene: DNAJC13 (DnaJ heat shock protein family (Hsp40) member C13; plus strand). Cytogenetic location: 3q22.1.
Variant type: single nucleotide variant.
Coding change: c.1173A>T on transcript NM_015268.4 (MANE Select); coding-DNA position 1173, A replaced by T.
Protein change: p.Thr391=; no amino-acid change (threonine 391 retained).
Molecular consequence: synonymous variant.
Genome position (GRCh38, 1-based): chr3:132,456,574, A>T. VCF-style: chr3-132456574-A-T. GRCh37 (hg19) VCF-style: chr3-132175418-A-T.
Other names: c.1173A>T, p.Thr391= (NM_001329126.2).
Identifiers: ClinVar variation 3045368 (VCV003045368.2), dbSNP rs375803422, ClinGen allele CA2618624.